The following is an entry in ClinVar:

ClinVar aggregate classification (germline): Uncertain significance (1 of 4 stars; one submission).

Conditions:
Autoimmune lymphoproliferative syndrome type 1. Also called: AUTOIMMUNE LYMPHOPROLIFERATIVE SYNDROME, TYPE I, AUTOSOMAL DOMINANT. Identifiers: Orphanet 3261, MedGen C2717884, MONDO:0011158, OMIM 601859.

Submission:

Labcorp Genetics (formerly Invitae), Labcorp
Classification: Uncertain significance for Autoimmune lymphoproliferative syndrome. Last evaluated: 2025-10-12. Review status: criteria provided, single submitter. Criteria: Invitae Variant Classification Sherloc (09022015). Collection method: clinical testing. Allele origin: germline.
Comment: This sequence change falls in intron 2 of the FAS gene. It does not directly change the encoded amino acid sequence of the FAS protein. This variant is not present in population databases (gnomAD no frequency). This variant has not been reported in the literature in individuals affected with FAS-related conditions. Algorithms developed to predict the effect of sequence changes on RNA splicing suggest that this variant may disrupt the consensus splice site. In summary, the available evidence is currently insufficient to determine the role of this variant in disease. Therefore, it has been classified as a Variant of Uncertain Significance.

NM_000043.6(FAS):c.197-6G>A

Gene: FAS (Fas cell surface death receptor; plus strand). Cytogenetic location: 10q23.31.
Variant type: single nucleotide variant.
Coding change: c.197-6G>A on transcript NM_000043.6 (MANE Select); 6 bases into the intron before coding-DNA position 197, G replaced by A.
Molecular consequence: intron variant.
Genome position (GRCh38, 1-based): chr10:89,007,694, G>A. VCF-style: chr10-89007694-G-A. GRCh37 (hg19) VCF-style: chr10-90767451-G-A.
Other names: c.197-6G>A (NM_152872.4, NM_001320619.2, NM_152871.4); c.242-6G>A (NM_001410956.1).
Identifiers: ClinVar variation 4719422 (VCV004719422.1).